The following is an entry in ClinVar:

NM_138572.3(TAF8):c.45+5G>A

Gene: TAF8 (TATA-box binding protein associated factor 8; plus strand). Cytogenetic location: 6p21.1.
Variant type: single nucleotide variant.
Coding change: c.45+5G>A on transcript NM_138572.3 (MANE Select); 5 bases into the intron after coding-DNA position 45, G replaced by A.
Molecular consequence: intron variant.
Genome position (GRCh38, 1-based): chr6:42,050,591, G>A. VCF-style: chr6-42050591-G-A. GRCh37 (hg19) VCF-style: chr6-42018329-G-A.
Other names: c.45+5G>A (NM_001410907.1, NM_001410906.1).
Identifiers: ClinVar variation 2637896 (VCV002637896.4), dbSNP rs756688392, ClinGen allele CA3804511.

ClinVar aggregate classification (germline): Conflicting classifications of pathogenicity. Review status: criteria provided, conflicting classifications (1 of 4 stars). 3 submissions from 3 submitters: Likely pathogenic (1); Uncertain significance (1). 1 of the submissions does not count toward it. Last evaluated 2025-07-17.

Conditions:
Neurodevelopmental disorder with severe motor impairment, absent language, cerebral hypomyelination, and brain atrophy (NEDMLHB). Also called: TAF8-Related Neurodevelopmental Disorder. Identifiers: MedGen C5774185, MONDO:0859266, OMIM 619972.

Allele frequency attached by ClinVar (database versions not stated): TOPMed 0.00001; gnomAD 0.00002; ExAC 0.00006.
gnomAD v4.1: 19 of 1,550,896 alleles (0.0012%); highest among the groups gnomAD compares: Admixed American, 0.0041%; no homozygotes.

Submissions (3):

Ambry Genetics
Classification: Uncertain significance. Last evaluated: 2025-07-17. Review status: criteria provided, single submitter. Criteria: Ambry Variant Classification Scheme 2023. Collection method: clinical testing. Allele origin: germline.
Comment: The c.45+5G>A intronic alteration results from a G to A substitution 5 nucleotides after coding exon 1 in the TAF8 gene. Based on data from gnomAD, the A allele has an overall frequency of 0.001% (1/152512) total alleles studied. The highest observed frequency was 0.004% (1/23000) of South Asian alleles. This variant has been identified in the homozygous state in individuals with features consistent with TAF8-related neurodevelopmental disorder (Nadav, 2025). This amino acid position is well conserved in available vertebrate species. In silico splice site analysis predicts that this alteration may weaken the native splice donor site and may result in the creation or strengthening of a novel splice donor site. Based on insufficient or conflicting evidence, the clinical significance of this alteration remains unclear.

Juno Genomics, Hangzhou Juno Genomics, Inc
Classification: Likely pathogenic for Neurodevelopmental disorder with severe motor impairment, absent language, cerebral hypomyelination, and brain atrophy. Review status: criteria provided, single submitter. Criteria: ACMG Guidelines, 2015. Collection method: clinical testing. Allele origin: germline.
Comment: Absent from controls (or at extremely low frequency if recessive) in Genome Aggregation Database.;Multiple lines of computational evidence support a deleterious effect on the gene or gene product.;For recessive disorders, detected in trans with a pathogenic variant.;Co-segregation with disease in multiple affected family members.

Molecular Laboratory of the Institute of Human Genetics, Galilee Medical Center
Classification: Pathogenic for Neurodevelopmental disorder with severe motor impairment, absent language, cerebral hypomyelination, and brain atrophy. Last evaluated: 2023-10-23. Review status: no assertion criteria provided. Collection method: clinical testing. Allele origin: germline. Affected: yes. Observed: 4 homozygotes. Not counted in ClinVar's aggregate classification.

Literature cited by the submitters: PubMed 39169228 (cited by Ambry Genetics).